The following is an entry in ClinVar:

ClinVar aggregate classification (germline): Uncertain significance. Review status: criteria provided, multiple submitters, no conflicts (2 of 4 stars). 2 submissions from 2 submitters: Uncertain significance (2). Last evaluated 2025-05-16.

Conditions:
Cortical dysplasia-focal epilepsy syndrome (PTHSL1). Also called: Pitt-Hopkins-like syndrome 1. Identifiers: Orphanet 163681, Orphanet 221150, MedGen C2750246, MONDO:0012400, OMIM 610042.

Allele frequency attached by ClinVar (database versions not stated): gnomAD 0.00001; gnomAD exomes 0.00001.
gnomAD v4.1: 6 of 1,613,914 alleles (0.00037%); highest among the groups gnomAD compares: African/African-American, 0.0067%; no homozygotes.

Submissions (2):

GeneDx
Classification: Uncertain significance. Last evaluated: 2025-05-16. Review status: criteria provided, single submitter. Criteria: GeneDx Variant Classification Process June 2021. Collection method: clinical testing. Allele origin: germline. Affected: yes.
Comment: Not observed at significant frequency in large population cohorts (gnomAD); In silico analysis suggests that this missense variant does not alter protein structure/function; Has not been previously published as pathogenic or benign to our knowledge

Labcorp Genetics (formerly Invitae), Labcorp
Classification: Uncertain significance for Cortical dysplasia-focal epilepsy syndrome. Last evaluated: 2022-01-02. Review status: criteria provided, single submitter. Criteria: Invitae Variant Classification Sherloc (09022015). Collection method: clinical testing. Allele origin: germline.
Comment: This sequence change replaces alanine, which is neutral and non-polar, with valine, which is neutral and non-polar, at codon 908 of the CNTNAP2 protein (p.Ala908Val). This variant is present in population databases (no rsID available, gnomAD 0.007%). This variant has not been reported in the literature in individuals affected with CNTNAP2-related conditions. Algorithms developed to predict the effect of missense changes on protein structure and function (SIFT, PolyPhen-2, Align-GVGD) all suggest that this variant is likely to be disruptive. In summary, the available evidence is currently insufficient to determine the role of this variant in disease. Therefore, it has been classified as a Variant of Uncertain Significance.

NM_014141.6(CNTNAP2):c.2723C>T (p.Ala908Val)

Gene: CNTNAP2 (contactin associated protein 2; plus strand). Cytogenetic location: 7q35.
Variant type: single nucleotide variant.
Coding change: c.2723C>T on transcript NM_014141.6 (MANE Select); coding-DNA position 2723, C replaced by T.
Protein change: p.Ala908Val; replaces alanine 908 with valine.
Molecular consequence: missense variant.
Genome position (GRCh38, 1-based): chr7:148,147,659, C>T. VCF-style: chr7-148147659-C-T. GRCh37 (hg19) VCF-style: chr7-147844751-C-T.
Other names: c.2723C>T (NM_014141.5); short protein forms A908V.
Identifiers: ClinVar variation 1431680 (VCV001431680.6), dbSNP rs914981325, ClinGen allele CA168815913.